The following is an entry in ClinVar:

NM_001844.5(COL2A1):c.2739C>G (p.Asn913Lys)

Gene: COL2A1 (collagen type II alpha 1 chain; minus strand). Cytogenetic location: 12q13.11.
Variant type: single nucleotide variant.
Coding change: c.2739C>G on transcript NM_001844.5 (MANE Select); coding-DNA position 2739, C replaced by G.
Protein change: p.Asn913Lys; replaces asparagine 913 with lysine.
Molecular consequence: missense variant.
Genome position (GRCh38, 1-based): chr12:47,978,753, G>C on the plus strand (C>G on the coding strand, the complement: COL2A1 is on the minus strand). VCF-style: chr12-47978753-G-C. GRCh37 (hg19) VCF-style: chr12-48372536-G-C.
Other names: c.2532C>G, p.Asn844Lys (NM_033150.3); short protein forms N844K, N913K.
Identifiers: ClinVar variation 2012617 (VCV002012617.4), dbSNP rs2540113856, ClinGen allele CA384543505.

ClinVar aggregate classification (germline): Uncertain significance (1 of 4 stars; one submission).

Submission:

Labcorp Genetics (formerly Invitae), Labcorp
Classification: Uncertain significance. Last evaluated: 2022-07-01. Review status: criteria provided, single submitter. Criteria: Invitae Variant Classification Sherloc (09022015). Collection method: clinical testing. Allele origin: germline.
Comment: In summary, the available evidence is currently insufficient to determine the role of this variant in disease. Therefore, it has been classified as a Variant of Uncertain Significance. Advanced modeling of protein sequence and biophysical properties (such as structural, functional, and spatial information, amino acid conservation, physicochemical variation, residue mobility, and thermodynamic stability) performed at Invitae indicates that this missense variant is not expected to disrupt COL2A1 protein function. This variant has not been reported in the literature in individuals affected with COL2A1-related conditions. This variant is not present in population databases (gnomAD no frequency). This sequence change replaces asparagine, which is neutral and polar, with lysine, which is basic and polar, at codon 913 of the COL2A1 protein (p.Asn913Lys).